The following is an entry in ClinVar:

NM_006922.4(SCN3A):c.4445A>C (p.Asp1482Ala)

Gene: SCN3A (sodium voltage-gated channel alpha subunit 3; minus strand). Cytogenetic location: 2q24.3.
Variant type: single nucleotide variant.
Coding change: c.4445A>C on transcript NM_006922.4 (MANE Select); coding-DNA position 4445, A replaced by C.
Protein change: p.Asp1482Ala; replaces aspartic acid 1482 with alanine.
Molecular consequence: missense variant.
Genome position (GRCh38, 1-based): chr2:165,094,465, T>G on the plus strand (A>C on the coding strand, the complement: SCN3A is on the minus strand). VCF-style: chr2-165094465-T-G. GRCh37 (hg19) VCF-style: chr2-165950975-T-G.
Other names: c.4298A>C, p.Asp1433Ala (NM_001081676.2, NM_001081677.2); short protein forms D1433A, D1482A.
Identifiers: ClinVar variation 4749677 (VCV004749677.1).

ClinVar aggregate classification (germline): Uncertain significance (1 of 4 stars; one submission).

Submission:

Labcorp Genetics (formerly Invitae), Labcorp
Classification: Uncertain significance. Last evaluated: 2025-10-23. Review status: criteria provided, single submitter. Criteria: Invitae Variant Classification Sherloc (09022015). Collection method: clinical testing. Allele origin: germline.
Comment: This sequence change replaces aspartic acid, which is acidic and polar, with alanine, which is neutral and non-polar, at codon 1482 of the SCN3A protein (p.Asp1482Ala). This variant is not present in population databases (gnomAD no frequency). This variant has not been reported in the literature in individuals affected with SCN3A-related conditions. Invitae Evidence Modeling of protein sequence and biophysical properties (such as structural, functional, and spatial information, amino acid conservation, physicochemical variation, residue mobility, and thermodynamic stability) has been performed for this missense variant. However, the output from this modeling did not meet the statistical confidence thresholds required to predict the impact of this variant on SCN3A protein function. In summary, the available evidence is currently insufficient to determine the role of this variant in disease. Therefore, it has been classified as a Variant of Uncertain Significance.